The following is an entry in ClinVar:

ClinVar aggregate classification (germline): Likely benign (1 of 4 stars; one submission).

Conditions:
Telangiectasia, hereditary hemorrhagic, type 1 (HHT1). Also called: Osler Weber Rendu syndrome type 1; ENG-Related Hereditary Hemorrhagic Telangiectasia. Identifiers: Orphanet 774, MedGen C4551861, MONDO:0008535, OMIM 187300. Disease mechanism: loss of function.

Allele frequency attached by ClinVar (database versions not stated): gnomAD exomes below 0.00001; ExAC 0.00001; ESP Exome Variant Server 0.00008.

Submission:

NIHR Bioresource Rare Diseases, University of Cambridge
Classification: Likely benign for Telangiectasia, hereditary hemorrhagic, type 1. Last evaluated: 2018-01-01. Review status: criteria provided, single submitter. Criteria: ACMG Guidelines, 2015. Collection method: research. Allele origin: unknown. Affected: yes. Observed: 1 variant allele.
Comment: BS1 +BP2

Literature cited by the submitters: PubMed 32573726.

NM_001114753.3(ENG):c.1337A>G (p.Asp446Gly)

Genes: ENG (endoglin; minus strand), LOC102723566 (uncharacterized LOC102723566; plus strand). Cytogenetic location: 9q34.11.
Variant type: single nucleotide variant.
Coding change: c.1337A>G on transcript NM_001114753.3 (MANE Select); coding-DNA position 1337, A replaced by G.
Protein change: p.Asp446Gly; replaces aspartic acid 446 with glycine.
Molecular consequence: missense variant.
Genome position (GRCh38, 1-based): chr9:127,818,807, T>C on the plus strand (A>G on the coding strand, the complement: ENG is on the minus strand). VCF-style: chr9-127818807-T-C. GRCh37 (hg19) VCF-style: chr9-130581086-T-C.
Other names: c.1337A>G, p.Asp446Gly (NM_000118.4); c.791A>G, p.Asp264Gly (NM_001278138.2); short protein forms D264G, D446G.
Identifiers: ClinVar variation 983194 (VCV000983194.3), dbSNP rs372540985, ClinGen allele CA5252796.